The following is an entry in ClinVar:

NM_152296.5(ATP1A3):c.2095-1G>A

Gene: ATP1A3 (ATPase Na+/K+ transporting subunit alpha 3; minus strand). Cytogenetic location: 19q13.2.
Variant type: single nucleotide variant.
Coding change: c.2095-1G>A on transcript NM_152296.5 (MANE Select); the canonical splice acceptor site of the intron before coding-DNA position 2095, G replaced by A.
Molecular consequence: splice acceptor variant.
Genome position (GRCh38, 1-based): chr19:41,975,798, C>T on the plus strand (G>A on the coding strand, the complement: ATP1A3 is on the minus strand). VCF-style: chr19-41975798-C-T. GRCh37 (hg19) VCF-style: chr19-42479950-C-T.
Other names: c.2134-1G>A (NM_001256214.2); c.2128-1G>A (NM_001256213.2).
Identifiers: ClinVar variation 1348655 (VCV001348655.6), dbSNP rs2145959709, ClinGen allele CA406042342.
Genomic context (GRCh38, chr19:41,975,798, plus strand): 5'-GGCCTTCTTCAGAGCGGGGGAGTCGTTCACACCATCCCCGGTCACAGCCACAATTGCACC[C>T]TGGAGGGAGAGAGGGTAAGGATGACACCCAGAGGCCAGTCCCCAGAGTCCCCTCCCTCAG-3'

ClinVar aggregate classification (germline): Likely pathogenic (1 of 4 stars; one submission).

Conditions:
Dystonia 12 (DYT12). Also called: DYT-ATP1A3; Rapid-Onset Dystonia-Parkinsonism (RDP). Identifiers: Orphanet 71517, MedGen C1868681, MONDO:0007496, OMIM 128235.

Submission:

Labcorp Genetics (formerly Invitae), Labcorp
Classification: Likely pathogenic for Dystonia 12. Last evaluated: 2021-11-01. Review status: criteria provided, single submitter. Criteria: Invitae Variant Classification Sherloc (09022015). Collection method: clinical testing. Allele origin: germline.
Comment: This sequence change affects an acceptor splice site in intron 15 of the ATP1A3 gene. It is expected to disrupt RNA splicing. Variants that disrupt the donor or acceptor splice site typically lead to a loss of protein function (PMID: 16199547), and loss-of-function variants in ATP1A3 are known to be pathogenic (PMID: 24983657, 24631656). This variant is not present in population databases (gnomAD no frequency). This variant has not been reported in the literature in individuals affected with ATP1A3-related conditions. Algorithms developed to predict the effect of sequence changes on RNA splicing suggest that this variant may disrupt the consensus splice site. In summary, the currently available evidence indicates that the variant is pathogenic, but additional data are needed to prove that conclusively. Therefore, this variant has been classified as Likely Pathogenic.

Literature cited by the submitters: PubMed 16199547; PubMed 24983657; PubMed 24631656.